The following is an entry in ClinVar:

ClinVar aggregate classification (germline): Uncertain significance (1 of 4 stars; one submission).

Conditions:
Cognitive impairment - coarse facies - heart defects - obesity - pulmonary involvement - short stature - skeletal dysplasia syndrome. Also called: COGNITIVE IMPAIRMENT, COARSE FACIES, HEART DEFECTS, OBESITY, PULMONARY INVOLVEMENT, SHORT STATURE, AND SKELETAL DYSPLASIA; Chops syndrome; AFF4-Related CHOPS Syndrome. Identifiers: Orphanet 444077, MedGen C4085597, MONDO:0014609, OMIM 616368.

Submission:

Labcorp Genetics (formerly Invitae), Labcorp
Classification: Uncertain significance for Cognitive impairment - coarse facies - heart defects - obesity - pulmonary involvement - short stature - skeletal dysplasia syndrome. Last evaluated: 2023-11-19. Review status: criteria provided, single submitter. Criteria: Invitae Variant Classification Sherloc (09022015). Collection method: clinical testing. Allele origin: germline.
Comment: This sequence change replaces serine, which is neutral and polar, with phenylalanine, which is neutral and non-polar, at codon 352 of the AFF4 protein (p.Ser352Phe). This variant is not present in population databases (gnomAD no frequency). This variant has not been reported in the literature in individuals affected with AFF4-related conditions. Advanced modeling of protein sequence and biophysical properties (such as structural, functional, and spatial information, amino acid conservation, physicochemical variation, residue mobility, and thermodynamic stability) performed at Invitae indicates that this missense variant is not expected to disrupt AFF4 protein function with a negative predictive value of 80%. In summary, the available evidence is currently insufficient to determine the role of this variant in disease. Therefore, it has been classified as a Variant of Uncertain Significance.

NM_014423.4(AFF4):c.1055C>T (p.Ser352Phe)

Gene: AFF4 (ALF transcription elongation factor 4; minus strand). Cytogenetic location: 5q31.1.
Variant type: single nucleotide variant.
Coding change: c.1055C>T on transcript NM_014423.4 (MANE Select); coding-DNA position 1055, C replaced by T.
Protein change: p.Ser352Phe; replaces serine 352 with phenylalanine.
Molecular consequence: missense variant.
Genome position (GRCh38, 1-based): chr5:132,904,400, G>A on the plus strand (C>T on the coding strand, the complement: AFF4 is on the minus strand). VCF-style: chr5-132904400-G-A. GRCh37 (hg19) VCF-style: chr5-132240092-G-A.
Other names: short protein forms S352F.
Identifiers: ClinVar variation 2697419 (VCV002697419.3), dbSNP rs2532497888, ClinGen allele CA360945143.